The following is an entry in ClinVar:

ClinVar aggregate classification (germline): Pathogenic (1 of 4 stars; one submission).

Conditions:
Neurofibromatosis, type 1 (NF1). Also called: Peripheral type neurofibromatosis; Neurofibromatosis, type I; VON RECKLINGHAUSEN DISEASE; NEUROFIBROMATOSIS, TYPE I, SOMATIC. Identifiers: Orphanet 636, MedGen C0027831, MONDO:0018975, OMIM 162200. Disease mechanism: loss of function.

Submission:

Labcorp Genetics (formerly Invitae), Labcorp
Classification: Pathogenic for Neurofibromatosis, type 1. Last evaluated: 2018-04-19. Review status: criteria provided, single submitter. Criteria: Invitae Variant Classification Sherloc (09022015). Collection method: clinical testing. Allele origin: germline.
Comment: For these reasons, this variant has been classified as Pathogenic. Loss-of-function variants in NF1 are known to be pathogenic (PMID: 10712197, 23913538). This variant has been reported in an individual affected with neurofibromatosis type I (PMID: 25325900). This variant is not present in population databases (ExAC no frequency). This sequence change creates a premature translational stop signal (p.His809Thrfs*12) in the NF1 gene. It is expected to result in an absent or disrupted protein product.

Literature cited by the submitters: PubMed 10712197; PubMed 23913538; PubMed 25325900.

NM_001042492.3(NF1):c.2424del (p.His809fs)

Gene: NF1 (neurofibromin 1; plus strand). Cytogenetic location: 17q11.2.
Variant type: Deletion.
Coding change: c.2424del on transcript NM_001042492.3 (MANE Select); coding-DNA position 2424, one base deleted (T; older notation c.2424delT).
Protein change: p.His809fs; shifts the reading frame from histidine 809.
Molecular consequence: frameshift variant.
Genome position (GRCh38, 1-based): chr17:31,229,039, T deleted; the last of 2 consecutive T bases (chr17:31,229,038-31,229,039); deleting either gives the same sequence. VCF-style (leftmost placement, unchanged base first): chr17-31229037-CT-C. GRCh37 (hg19) VCF-style: chr17-29556055-CT-C.
Other names: c.2424delT, p.His809Thrfs (NM_000267.4); c.2424delT (NM_000267.3); short protein forms H809fs.
Identifiers: ClinVar variation 580980 (VCV000580980.5), dbSNP rs1567848731, ClinGen allele CA891844370.